The following is an entry in ClinVar:

NM_005476.7(GNE):c.1633G>A (p.Gly545Arg)

Gene: GNE (glucosamine (UDP-N-acetyl)-2-epimerase/N-acetylmannosamine kinase; minus strand). Cytogenetic location: 9p13.3.
Variant type: single nucleotide variant.
Coding change: c.1633G>A on transcript NM_005476.7 (MANE Select); coding-DNA position 1633, G replaced by A.
Protein change: p.Gly545Arg; replaces glycine 545 with arginine.
Molecular consequence: missense variant. On other transcripts: intron variant (1).
Genome position (GRCh38, 1-based): chr9:36,222,777, C>T on the plus strand (G>A on the coding strand, the complement: GNE is on the minus strand). VCF-style: chr9-36222777-C-T. GRCh37 (hg19) VCF-style: chr9-36222774-C-T.
Other names: c.1726G>A, p.Gly576Arg (NM_001128227.3); c.1303G>A, p.Gly435Arg (NM_001190384.3); c.1456G>A, p.Gly486Arg (NM_001190388.2, NM_001374798.1); c.1480G>A, p.Gly494Arg (NM_001374797.1); c.1411+596G>A (NM_001190383.3); short protein forms G435R, G494R, G486R, G545R, G576R.
Identifiers: ClinVar variation 1360333 (VCV001360333.6), dbSNP rs1024068004, ClinGen allele CA192843465.
Genomic context (GRCh38, chr9:36,222,777, plus strand): 5'-TGAAGACATGCTCCAATATACATTCTAGCTCCTGAACCAACCTCCCCCTACCCCTCTTAC[C>T]TGTGCCTGTGATAAGTGTAACAAAGTTTTCCAGTCCCTTTCCTTGGCCAAATTTCCTTTC-3'
Protein context (NP_005467.1, residues 535-555): ENFVTLITGT[Gly545Arg]IGGGIIHQHE

ClinVar aggregate classification (germline): Uncertain significance (1 of 4 stars; one submission).

Conditions:
Sialuria. Also called: SIALURIA, FRENCH TYPE; Sialic Acid Storage Disease. Identifiers: Orphanet 3166, MedGen C0342853, MONDO:0010028, OMIM 269921.
GNE myopathy (NM). Also called: MYOPATHY, DISTAL, WITH OR WITHOUT RIMMED VACUOLES; INCLUSION BODY MYOPATHY, HEREDITARY, AUTOSOMAL RECESSIVE; INCLUSION BODY MYOPATHY 2, AUTOSOMAL RECESSIVE; IBM 2; Inclusion body myopathy autosomal recessive; Inclusion body myopathy quadriceps sparing. Identifiers: Orphanet 602, MedGen C1853926, MONDO:0011603, OMIM 605820.

Allele frequency attached by ClinVar (database versions not stated): TOPMed below 0.00001.

Submission:

Labcorp Genetics (formerly Invitae), Labcorp
Classification: Uncertain significance for Sialuria; GNE myopathy. Last evaluated: 2022-07-06. Review status: criteria provided, single submitter. Criteria: Invitae Variant Classification Sherloc (09022015). Collection method: clinical testing. Allele origin: germline.
Comment: This missense change has been observed in individuals with autosomal recessive distal myopathy (PMID: 25986339, 26053703). This variant is not present in population databases (gnomAD no frequency). This sequence change replaces glycine, which is neutral and non-polar, with arginine, which is basic and polar, at codon 576 of the GNE protein (p.Gly576Arg). This variant also falls at the last nucleotide of exon 9, which is part of the consensus splice site for this exon. This variant is also known as p.G545R. In summary, the available evidence is currently insufficient to determine the role of this variant in disease. Therefore, it has been classified as a Variant of Uncertain Significance. Variants that disrupt the consensus splice site are a relatively common cause of aberrant splicing (PMID: 17576681, 9536098). Algorithms developed to predict the effect of sequence changes on RNA splicing suggest that this variant may disrupt the consensus splice site. Algorithms developed to predict the effect of missense changes on protein structure and function (SIFT, PolyPhen-2, Align-GVGD) all suggest that this variant is likely to be disruptive. ClinVar contains an entry for this variant (Variation ID: 1360333).

Literature cited by the submitters: PubMed 25986339; PubMed 26053703; PubMed 17576681; PubMed 9536098.